The following is an entry in ClinVar:

NM_000049.4(ASPA):c.426C>A (p.Tyr142Ter)

Genes: ASPA (aspartoacylase; plus strand), SPATA22 (spermatogenesis associated 22; minus strand). Cytogenetic location: 17p13.2.
Variant type: single nucleotide variant.
Coding change: c.426C>A on transcript NM_000049.4 (MANE Select); coding-DNA position 426, C replaced by A.
Protein change: p.Tyr142Ter; replaces tyrosine 142 with a stop codon.
Molecular consequence: nonsense. On other transcripts: intron variant (2).
Genome position (GRCh38, 1-based): chr17:3,481,792, C>A. VCF-style: chr17-3481792-C-A. GRCh37 (hg19) VCF-style: chr17-3385086-C-A.
Other names: c.426C>A, p.Tyr142Ter (NM_001128085.1); c.-73-12394G>T (NM_001321336.2, NM_001321337.2); short protein forms Y142*.
Identifiers: ClinVar variation 1411157 (VCV001411157.6), dbSNP rs1380839164, ClinGen allele CA397682600.

ClinVar aggregate classification (germline): Pathogenic (1 of 4 stars; one submission).

Conditions:
Spongy degeneration of central nervous system. Also called: ACY2 DEFICIENCY; AMINOACYLASE 2 DEFICIENCY; ASP DEFICIENCY; ASPA DEFICIENCY; ASPARTOACYLASE DEFICIENCY; CANAVAN-VAN BOGAERT-BERTRAND DISEASE. Identifiers: Orphanet 141, MedGen C0206307, MONDO:0010079, OMIM 271900.

Allele frequency attached by ClinVar (database versions not stated): TOPMed below 0.00001; gnomAD 0.00001.

Submission:

Labcorp Genetics (formerly Invitae), Labcorp
Classification: Pathogenic for Spongy degeneration of central nervous system. Last evaluated: 2023-12-11. Review status: criteria provided, single submitter. Criteria: Invitae Variant Classification Sherloc (09022015). Collection method: clinical testing. Allele origin: germline.
Comment: This sequence change creates a premature translational stop signal (p.Tyr142*) in the ASPA gene. It is expected to result in an absent or disrupted protein product. Loss-of-function variants in ASPA are known to be pathogenic (PMID: 12638939). This variant is not present in population databases (gnomAD no frequency). This premature translational stop signal has been observed in individual(s) with Canavan disease (PMID: 34011350). ClinVar contains an entry for this variant (Variation ID: 1411157). For these reasons, this variant has been classified as Pathogenic.

Literature cited by the submitters: PubMed 12638939; PubMed 34011350.